The following is an entry in ClinVar:

ClinVar aggregate classification (germline): Uncertain significance (1 of 4 stars; one submission).

Conditions:
Ullrich congenital muscular dystrophy 2 (UCMD2). Identifiers: Orphanet 75840, MedGen C4225314, MONDO:0014654, OMIM 616470.
Bethlem myopathy 2 (BTHLM2). Identifiers: Orphanet 536516, Orphanet 610, MedGen C4225313, MONDO:0034022, OMIM 616471.

Allele frequency attached by ClinVar (database versions not stated): gnomAD exomes below 0.00001.
gnomAD v4.1: 1 of 1,599,774 alleles (0.000063%); highest among the groups gnomAD compares: Non-Finnish European, 0.000085%; no homozygotes.

Submission:

Labcorp Genetics (formerly Invitae), Labcorp
Classification: Uncertain significance for Bethlem myopathy 2; Ullrich congenital muscular dystrophy 2. Last evaluated: 2020-03-17. Review status: criteria provided, single submitter. Criteria: Invitae Variant Classification Sherloc (09022015). Collection method: clinical testing. Allele origin: germline.
Comment: This sequence change falls in intron 25 of the COL12A1 gene. It does not directly change the encoded amino acid sequence of the COL12A1 protein, but it affects a nucleotide within the consensus splice site of the intron. This variant is not present in population databases (ExAC no frequency). This variant has not been reported in the literature in individuals with COL12A1-related conditions. Nucleotide substitutions within the consensus splice site are a relatively common cause of aberrant splicing (PMID: 17576681, 9536098). Algorithms developed to predict the effect of sequence changes on RNA splicing suggest that this variant may disrupt the consensus splice site, but this prediction has not been confirmed by published transcriptional studies. In summary, the available evidence is currently insufficient to determine the role of this variant in disease. Therefore, it has been classified as a Variant of Uncertain Significance.

Literature cited by the submitters: PubMed 17576681; PubMed 9536098.

NM_004370.6(COL12A1):c.4690+5G>A

Gene: COL12A1 (collagen type XII alpha 1 chain; minus strand). Cytogenetic location: 6q13.
Variant type: single nucleotide variant.
Coding change: c.4690+5G>A on transcript NM_004370.6 (MANE Select); 5 bases into the intron after coding-DNA position 4690, G replaced by A.
Molecular consequence: intron variant.
Genome position (GRCh38, 1-based): chr6:75,145,321, C>T on the plus strand (G>A on the coding strand, the complement: COL12A1 is on the minus strand). VCF-style: chr6-75145321-C-T. GRCh37 (hg19) VCF-style: chr6-75855037-C-T.
Other names: c.1198+5G>A (NM_080645.3).
Identifiers: ClinVar variation 1040305 (VCV001040305.7), dbSNP rs1767120188, ClinGen allele CA1638957266.